The following is an entry in ClinVar:

NM_001201543.2(FAM161A):c.422+1G>A

Gene: FAM161A (FAM161 centrosomal protein A; minus strand). Cytogenetic location: 2p15.
Variant type: single nucleotide variant.
Coding change: c.422+1G>A on transcript NM_001201543.2 (MANE Select); the canonical splice donor site of the intron after coding-DNA position 422, G replaced by A.
Molecular consequence: splice donor variant.
Genome position (GRCh38, 1-based): chr2:61,842,121, C>T on the plus strand (G>A on the coding strand, the complement: FAM161A is on the minus strand). VCF-style: chr2-61842121-C-T. GRCh37 (hg19) VCF-style: chr2-62069256-C-T.
Other names: c.422+1G>A (NM_032180.3).
Identifiers: ClinVar variation 2135492 (VCV002135492.4), dbSNP rs2466033315, ClinGen allele CA346989204.

ClinVar aggregate classification (germline): Likely pathogenic (1 of 4 stars; one submission).

Submission:

Labcorp Genetics (formerly Invitae), Labcorp
Classification: Likely pathogenic. Last evaluated: 2023-09-03. Review status: criteria provided, single submitter. Criteria: Invitae Variant Classification Sherloc (09022015). Collection method: clinical testing. Allele origin: germline.
Comment: Algorithms developed to predict the effect of sequence changes on RNA splicing suggest that this variant may disrupt the consensus splice site. In summary, the currently available evidence indicates that the variant is pathogenic, but additional data are needed to prove that conclusively. Therefore, this variant has been classified as Likely Pathogenic. ClinVar contains an entry for this variant (Variation ID: 2135492). This variant has not been reported in the literature in individuals affected with FAM161A-related conditions. This variant is not present in population databases (gnomAD no frequency). This sequence change affects a donor splice site in intron 2 of the FAM161A gene. It is expected to disrupt RNA splicing. Variants that disrupt the donor or acceptor splice site typically lead to a loss of protein function (PMID: 16199547), and loss-of-function variants in FAM161A are known to be pathogenic (PMID: 20705278, 20705279, 24651477).

Literature cited by the submitters: PubMed 16199547; PubMed 20705278; PubMed 20705279; PubMed 24651477.